The following is an entry in ClinVar:

NM_001270.4(CHD1):c.2939C>T (p.Pro980Leu)

Gene: CHD1 (chromodomain helicase DNA binding protein 1; minus strand). Cytogenetic location: 5q15.
Variant type: single nucleotide variant.
Coding change: c.2939C>T on transcript NM_001270.4 (MANE Select); coding-DNA position 2939, C replaced by T.
Protein change: p.Pro980Leu; replaces proline 980 with leucine.
Molecular consequence: missense variant. On other transcripts: non-coding transcript variant (2).
Genome position (GRCh38, 1-based): chr5:98,881,304, G>A on the plus strand (C>T on the coding strand, the complement: CHD1 is on the minus strand). VCF-style: chr5-98881304-G-A. GRCh37 (hg19) VCF-style: chr5-98217008-G-A.
Other names: c.2939C>T, p.Pro980Leu (NM_001364113.3, NM_001376194.2); short protein forms P980L.
Identifiers: ClinVar variation 3600583 (VCV003600583.1).

ClinVar aggregate classification (germline): Uncertain significance (1 of 4 stars; one submission).

Submission:

GeneDx
Classification: Uncertain significance. Last evaluated: 2024-07-25. Review status: criteria provided, single submitter. Criteria: GeneDx Variant Classification Process June 2021. Collection method: clinical testing. Allele origin: germline. Affected: yes.
Comment: Not observed at significant frequency in large population cohorts (gnomAD); In silico analysis indicates that this missense variant does not alter protein structure/function; Has not been previously published as pathogenic or benign to our knowledge